The following is an entry in ClinVar:

NM_001099274.3(TINF2):c.1084G>C (p.Asp362His)

Gene: TINF2 (TERF1 interacting nuclear factor 2; minus strand). Cytogenetic location: 14q12.
Variant type: single nucleotide variant.
Coding change: c.1084G>C on transcript NM_001099274.3 (MANE Select); coding-DNA position 1084, G replaced by C.
Protein change: p.Asp362His; replaces aspartic acid 362 with histidine.
Molecular consequence: missense variant. On other transcripts: 3 prime UTR variant (1).
Genome position (GRCh38, 1-based): chr14:24,240,308, C>G on the plus strand (G>C on the coding strand, the complement: TINF2 is on the minus strand). VCF-style: chr14-24240308-C-G. GRCh37 (hg19) VCF-style: chr14-24709514-C-G.
Other names: c.979G>C, p.Asp327His (NM_001363668.2); c.*107G>C (NM_012461.3); short protein forms D327H, D362H.
Identifiers: ClinVar variation 997489 (VCV000997489.6), dbSNP rs371044766, ClinGen allele CA7130499.

ClinVar aggregate classification (germline): Uncertain significance. Review status: criteria provided, multiple submitters, no conflicts (2 of 4 stars). 2 submissions from 2 submitters: Uncertain significance (2). Last evaluated 2022-05-31.

Conditions:
Revesz syndrome. Also called: DYSKERATOSIS CONGENITA, AUTOSOMAL DOMINANT 5; EXUDATIVE RETINOPATHY WITH BONE MARROW FAILURE. Identifiers: Orphanet 3088, MedGen C1327916, MONDO:0009990, OMIM 268130.
Dyskeratosis congenita. Identifiers: Orphanet 1775, MedGen C0265965, MONDO:0015780.

Allele frequency attached by ClinVar (database versions not stated): gnomAD exomes below 0.00001 and 0.00001; ExAC 0.00002; gnomAD 0.00002; TOPMed 0.00003; ESP Exome Variant Server 0.00016.
gnomAD v4.1: 5 of 1,613,698 alleles (0.00031%); highest among the groups gnomAD compares: African/African-American, 0.0067%; no homozygotes.

Submissions (2):

Labcorp Genetics (formerly Invitae), Labcorp
Classification: Uncertain significance for Dyskeratosis congenita. Last evaluated: 2022-05-31. Review status: criteria provided, single submitter. Criteria: Invitae Variant Classification Sherloc (09022015). Collection method: clinical testing. Allele origin: germline.
Comment: This sequence change replaces aspartic acid, which is acidic and polar, with histidine, which is basic and polar, at codon 362 of the TINF2 protein (p.Asp362His). This variant is present in population databases (rs371044766, gnomAD 0.01%). This variant has not been reported in the literature in individuals affected with TINF2-related conditions. ClinVar contains an entry for this variant (Variation ID: 997489). Algorithms developed to predict the effect of missense changes on protein structure and function are either unavailable or do not agree on the potential impact of this missense change (SIFT: "Tolerated"; PolyPhen-2: "Probably Damaging"; Align-GVGD: "Class C0"). Algorithms developed to predict the effect of sequence changes on RNA splicing suggest that this variant may disrupt the consensus splice site. In summary, the available evidence is currently insufficient to determine the role of this variant in disease. Therefore, it has been classified as a Variant of Uncertain Significance.

Baylor Genetics
Classification: Uncertain significance for Revesz syndrome. Last evaluated: 2019-04-15. Review status: criteria provided, single submitter. Criteria: ACMG Guidelines, 2015. Collection method: clinical testing. Allele origin: unknown. Affected: yes. Study: CSER-TexasKidsCanSeq.
Comment: This variant was determined to be of uncertain significance according to ACMG Guidelines, 2015 [PMID:25741868].